The following is an entry in ClinVar:

ClinVar aggregate classification (germline): Uncertain significance (1 of 4 stars; one submission).

Conditions:
Familial cancer of breast. Also called: BREAST CANCER, FAMILIAL; Hereditary breast cancer; hereditary breast carcinoma. Identifiers: Orphanet 227535, MedGen C0346153, MONDO:0016419, OMIM 114480. Disease mechanism: loss of function.

Allele frequency attached by ClinVar (database versions not stated): gnomAD exomes below 0.00001.
gnomAD v4.1: 1 of 1,614,192 alleles (0.000062%); highest among the groups gnomAD compares: Non-Finnish European, 0.000085%; no homozygotes.

Submission:

Labcorp Genetics (formerly Invitae), Labcorp
Classification: Uncertain significance for Familial cancer of breast. Last evaluated: 2024-06-06. Review status: criteria provided, single submitter. Criteria: Invitae Variant Classification Sherloc (09022015). Collection method: clinical testing. Allele origin: germline.
Comment: This sequence change replaces serine, which is neutral and polar, with asparagine, which is neutral and polar, at codon 461 of the PALB2 protein (p.Ser461Asn). This variant is not present in population databases (gnomAD no frequency). This variant has not been reported in the literature in individuals affected with PALB2-related conditions. ClinVar contains an entry for this variant (Variation ID: 1387871). Advanced modeling of protein sequence and biophysical properties (such as structural, functional, and spatial information, amino acid conservation, physicochemical variation, residue mobility, and thermodynamic stability) performed at Invitae indicates that this missense variant is not expected to disrupt PALB2 protein function with a negative predictive value of 80%. In summary, the available evidence is currently insufficient to determine the role of this variant in disease. Therefore, it has been classified as a Variant of Uncertain Significance.

NM_024675.4(PALB2):c.1382G>A (p.Ser461Asn)

Gene: PALB2 (partner and localizer of BRCA2; minus strand). Cytogenetic location: 16p12.2.
Variant type: single nucleotide variant.
Coding change: c.1382G>A on transcript NM_024675.4 (MANE Select); coding-DNA position 1382, G replaced by A.
Protein change: p.Ser461Asn; replaces serine 461 with asparagine.
Molecular consequence: missense variant.
Genome position (GRCh38, 1-based): chr16:23,635,164, C>T on the plus strand (G>A on the coding strand, the complement: PALB2 is on the minus strand). VCF-style: chr16-23635164-C-T. GRCh37 (hg19) VCF-style: chr16-23646485-C-T.
Other names: short protein forms S461N.
Identifiers: ClinVar variation 1387871 (VCV001387871.9), dbSNP rs1966972801, ClinGen allele CA395131387.